The following is an entry in ClinVar:

NM_020822.3(KCNT1):c.1443C>T (p.Phe481=)

Gene: KCNT1 (potassium sodium-activated channel subfamily T member 1; plus strand). Cytogenetic location: 9q34.3.
Variant type: single nucleotide variant.
Coding change: c.1443C>T on transcript NM_020822.3 (MANE Select); coding-DNA position 1443, C replaced by T.
Protein change: p.Phe481=; no amino-acid change (phenylalanine 481 retained).
Molecular consequence: synonymous variant.
Genome position (GRCh38, 1-based): chr9:135,768,870, C>T. VCF-style: chr9-135768870-C-T. GRCh37 (hg19) VCF-style: chr9-138660716-C-T.
Other names: c.1308C>T, p.Phe436= (NM_001272003.2).
Identifiers: ClinVar variation 388593 (VCV000388593.22), dbSNP rs576446992, ClinGen allele CA5326907.

ClinVar aggregate classification (germline): Likely benign. Review status: criteria provided, multiple submitters, no conflicts (2 of 4 stars). 7 submissions from 6 submitters: Likely benign (7). Last evaluated 2026-07-01.

Conditions:
Developmental and epileptic encephalopathy, 14 (DEE14). Also called: Early infantile epileptic encephalopathy 14. Identifiers: Orphanet 293181, MedGen C3554195, MONDO:0013989, OMIM 614959.
Autosomal dominant nocturnal frontal lobe epilepsy 5. Also called: Epilepsy, nocturnal frontal lobe, 5; KCNT1-Related Epilepsy; CILIARY DYSKINESIA, PRIMARY, 28, WITHOUT SITUS INVERSUS; CILIARY DYSKINESIA, PRIMARY, 28, WITH SITUS INVERSUS. Identifiers: Orphanet 98784, MedGen C3554306, MONDO:0014002, OMIM 615005.
Inborn genetic diseases. Identifiers: MedGen C0950123, MeSH D030342.

Allele frequency attached by ClinVar (database versions not stated): gnomAD exomes 0.00002 and 0.00003; ExAC 0.00004; gnomAD 0.00007 and 0.00009; TOPMed 0.00009; 1000 Genomes Project 30x 0.00016; 1000 Genomes Project 0.00020.
gnomAD v4.1: 43 of 1,613,402 alleles (0.0027%); highest among the groups gnomAD compares: Middle Eastern, 0.05%; no homozygotes.

Submissions (7):

CeGaT Center for Human Genetics Tuebingen
Classification: Likely benign. Last evaluated: 2026-07-01. Review status: criteria provided, single submitter. Criteria: CeGaT Center For Human Genetics Tuebingen Variant Classification Criteria Version 2. Collection method: clinical testing. Allele origin: germline. Affected: yes. Observed: 1 variant allele.
Comment: KCNT1: BP4, BP7

Labcorp Genetics (formerly Invitae), Labcorp
Classification: Likely benign for Autosomal dominant nocturnal frontal lobe epilepsy 5; Developmental and epileptic encephalopathy, 14. Last evaluated: 2026-01-01. Review status: criteria provided, single submitter. Criteria: Invitae Variant Classification Sherloc (09022015). Collection method: clinical testing. Allele origin: germline.

Blueprint Genetics
Classification: Likely benign. Last evaluated: 2024-06-28. Review status: criteria provided, single submitter. Criteria: ACMG Guidelines, 2015. Collection method: clinical testing. Allele origin: germline.

Genome-Nilou Lab
Classification: Likely benign for Developmental and epileptic encephalopathy, 14. Last evaluated: 2022-03-15. Review status: criteria provided, single submitter. Criteria: ACMG Guidelines, 2015. Collection method: clinical testing. Allele origin: germline. Affected: no.

Genome-Nilou Lab
Classification: Likely benign for Autosomal dominant nocturnal frontal lobe epilepsy 5. Last evaluated: 2022-03-15. Review status: criteria provided, single submitter. Criteria: ACMG Guidelines, 2015. Collection method: clinical testing. Allele origin: germline. Affected: no.

GeneDx
Classification: Likely benign. Last evaluated: 2018-07-11. Review status: criteria provided, single submitter. Criteria: GeneDx Variant Classification Process June 2021. Collection method: clinical testing. Allele origin: germline. Affected: yes.

Ambry Genetics
Classification: Likely benign for Inborn genetic diseases. Last evaluated: 2017-05-04. Review status: criteria provided, single submitter. Criteria: Ambry Variant Classification Scheme 2023. Collection method: clinical testing. Allele origin: germline.